The following is an entry in ClinVar:

NM_003136.4(SRP54):c.1089_1092del (p.Glu365fs)

Gene: SRP54 (signal recognition particle 54; plus strand). Cytogenetic location: 14q13.2.
Variant type: Deletion.
Coding change: c.1089_1092del on transcript NM_003136.4 (MANE Select); coding-DNA positions 1089 to 1092, 4 bases deleted (AAAT; older notation c.1089_1092delAAAT).
Protein change: p.Glu365fs; shifts the reading frame from glutamic acid 365.
Molecular consequence: frameshift variant.
Genome position (GRCh38, 1-based): chr14:35,019,007-35,019,010, AAAT deleted. VCF-style (leftmost placement, unchanged base first): chr14-35019006-GAAAT-G. GRCh37 (hg19) VCF-style: chr14-35488212-GAAAT-G.
Other names: c.942_945del, p.Glu316fs (NM_001146282.2); c.1089_1092del, p.Glu365fs (NM_001411017.1, NM_001440813.1); short protein forms E316fs, E365fs.
Identifiers: ClinVar variation 4997036 (VCV004997036.1).

ClinVar aggregate classification (germline): Uncertain significance (1 of 4 stars; one submission).

Conditions:
SRP54-related disorder. Also called: SRP54-related condition.

Submission:

PreventionGenetics, part of Exact Sciences
Classification: Uncertain significance for SRP54-related condition. Last evaluated: 2025-02-24. Review status: criteria provided, single submitter. Criteria: ACMG Guidelines, 2015. Collection method: clinical testing. Allele origin: germline.
Comment: The SRP54 c.1089_1092delAAAT variant is predicted to result in a frameshift and premature protein termination (p.Glu365Argfs*7). To our knowledge, this variant has not been reported in the literature or in a large population database (gnomAD), indicating this variant is rare. Although we suspect that this variant may be pathogenic, at this time, the clinical significance of this variant is uncertain due to the absence of conclusive functional and genetic evidence.